The following is an entry in ClinVar:

NM_018941.4(CLN8):c.9T>C (p.Pro3=)

Gene: CLN8 (CLN8 transmembrane ER and ERGIC protein; plus strand). Cytogenetic location: 8p23.3.
Variant type: single nucleotide variant.
Coding change: c.9T>C on transcript NM_018941.4 (MANE Select); coding-DNA position 9, T replaced by C.
Protein change: p.Pro3=; no amino-acid change (proline 3 retained).
Molecular consequence: synonymous variant.
Genome position (GRCh38, 1-based): chr8:1,771,063, T>C. VCF-style: chr8-1771063-T-C. GRCh37 (hg19) VCF-style: chr8-1719229-T-C.
Other names: c.9T>C (NM_018941.3).
Identifiers: ClinVar variation 1127023 (VCV001127023.8), dbSNP rs773997032, ClinGen allele CA4599168.

ClinVar aggregate classification (germline): Likely benign. Review status: criteria provided, multiple submitters, no conflicts (2 of 4 stars). 2 submissions from 2 submitters: Likely benign (2). Last evaluated 2026-01-25.

Conditions:
CLN8-related disorder. Also called: CLN8-related condition.
Neuronal ceroid lipofuscinosis. Also called: Neuronal Ceroid Lipofuscinoses. Identifiers: Orphanet 216, Orphanet 79263, MedGen C0027877, MONDO:0016295. Disease mechanism: loss of function.

Allele frequency attached by ClinVar (database versions not stated): gnomAD exomes below 0.00001 and 0.00001; ExAC 0.00001; TOPMed 0.00001.
gnomAD v4.1: 7 of 1,614,128 alleles (0.00043%); highest among the groups gnomAD compares: Admixed American, 0.0017%; no homozygotes.

Submissions (2):

Labcorp Genetics (formerly Invitae), Labcorp
Classification: Likely benign for Neuronal ceroid lipofuscinosis. Last evaluated: 2026-01-25. Review status: criteria provided, single submitter. Criteria: Invitae Variant Classification Sherloc (09022015). Collection method: clinical testing. Allele origin: germline.

PreventionGenetics, part of Exact Sciences
Classification: Likely benign for CLN8-related condition. Last evaluated: 2025-07-15. Review status: criteria provided, single submitter. Criteria: ACMG Guidelines, 2015. Collection method: clinical testing. Allele origin: germline.
Comment: This variant is classified as likely benign based on ACMG/AMP sequence variant interpretation guidelines (Richards et al. 2015 PMID: 25741868, with internal and published modifications).